The following is an entry in ClinVar:

NM_004211.5(SLC6A5):c.1652C>T (p.Pro551Leu)

Gene: SLC6A5 (solute carrier family 6 member 5; plus strand). Cytogenetic location: 11p15.1.
Variant type: single nucleotide variant.
Coding change: c.1652C>T on transcript NM_004211.5 (MANE Select); coding-DNA position 1652, C replaced by T.
Protein change: p.Pro551Leu; replaces proline 551 with leucine.
Molecular consequence: missense variant.
Genome position (GRCh38, 1-based): chr11:20,636,334, C>T. VCF-style: chr11-20636334-C-T. GRCh37 (hg19) VCF-style: chr11-20657880-C-T.
Other names: c.950C>T, p.Pro317Leu (NM_001318369.2); short protein forms P551L, P317L.
Identifiers: ClinVar variation 1365397 (VCV001365397.6), dbSNP rs766837791, ClinGen allele CA5921541.

ClinVar aggregate classification (germline): Uncertain significance (1 of 4 stars; one submission).

Conditions:
Hyperekplexia 3 (HKPX3). Also called: HYPEREKPLEXIA 3, AUTOSOMAL RECESSIVE; HYPEREKPLEXIA 3, AUTOSOMAL DOMINANT. Identifiers: Orphanet 3197, MedGen C3553288, MONDO:0013827, OMIM 614618.

Allele frequency attached by ClinVar (database versions not stated): gnomAD exomes below 0.00001 and 0.00001; ExAC 0.00001; gnomAD 0.00001.
gnomAD v4.1: 4 of 1,613,370 alleles (0.00025%); highest among the groups gnomAD compares: East Asian, 0.0022%; no homozygotes.

Submission:

Labcorp Genetics (formerly Invitae), Labcorp
Classification: Uncertain significance for Hyperekplexia 3. Last evaluated: 2021-10-11. Review status: criteria provided, single submitter. Criteria: Invitae Variant Classification Sherloc (09022015). Collection method: clinical testing. Allele origin: germline.
Comment: In summary, the available evidence is currently insufficient to determine the role of this variant in disease. Therefore, it has been classified as a Variant of Uncertain Significance. Advanced modeling of protein sequence and biophysical properties (such as structural, functional, and spatial information, amino acid conservation, physicochemical variation, residue mobility, and thermodynamic stability) performed at Invitae indicates that this missense variant is expected to disrupt SLC6A5 protein function. This variant has not been reported in the literature in individuals with SLC6A5-related conditions. This variant is present in population databases (rs766837791, ExAC 0.009%). This sequence change replaces proline with leucine at codon 551 of the SLC6A5 protein (p.Pro551Leu). The proline residue is highly conserved and there is a moderate physicochemical difference between proline and leucine.